The following is an entry in ClinVar:

ClinVar aggregate classification (germline): Pathogenic (1 of 4 stars; one submission).

Conditions:
Ataxia-telangiectasia syndrome (AT). Also called: AT, COMPLEMENTATION GROUP C; Ataxia telangiectasia (A-T); LOUIS-BAR SYNDROME; Ataxia-telangiectasia, complementation group D; Ataxia-telangiectasia, complementation group E; ATAXIA-TELANGIECTASIA, COMPLEMENTATION GROUP A. Identifiers: Orphanet 100, MedGen C0004135, MONDO:0008840, OMIM 208900.

Submission:

Labcorp Genetics (formerly Invitae), Labcorp
Classification: Pathogenic for Ataxia-telangiectasia syndrome. Last evaluated: 2022-02-22. Review status: criteria provided, single submitter. Criteria: Invitae Variant Classification Sherloc (09022015). Collection method: clinical testing. Allele origin: germline.
Comment: For these reasons, this variant has been classified as Pathogenic. This variant has not been reported in the literature in individuals affected with ATM-related conditions. This variant is not present in population databases (gnomAD no frequency). This sequence change creates a premature translational stop signal (p.Asp148Glufs*12) in the ATM gene. It is expected to result in an absent or disrupted protein product. Loss-of-function variants in ATM are known to be pathogenic (PMID: 23807571, 25614872).

Literature cited by the submitters: PubMed 23807571; PubMed 25614872.

NM_000051.4(ATM):c.440_443dup (p.Asp148fs)

Gene: ATM (ATM serine/threonine kinase; plus strand). Cytogenetic location: 11q22.3.
Variant type: Duplication.
Coding change: c.440_443dup on transcript NM_000051.4 (MANE Select); coding-DNA positions 440 to 443, 4 bases duplicated (AAGA; older notation c.440_443dupAAGA).
Protein change: p.Asp148fs; shifts the reading frame from aspartic acid 148.
Molecular consequence: frameshift variant.
Genome position (GRCh38, 1-based): chr11:108,235,778-108,235,781, AAGA duplicated; duplicating any 4 consecutive bases within chr11:108,235,777-108,235,781 gives the same sequence; the c. name uses the placement nearest the transcript's 3' end. VCF-style (leftmost placement, unchanged base first): chr11-108235776-C-CAAAG. GRCh37 (hg19) VCF-style: chr11-108106503-C-CAAAG.
Other names: c.440_443dup, p.Asp148fs (NM_001351834.2); short protein forms D148fs.
Identifiers: ClinVar variation 2101825 (VCV002101825.4), dbSNP rs2497020347, ClinGen allele CA2580083038.